The following is an entry in ClinVar:

ClinVar aggregate classification (germline): Pathogenic (1 of 4 stars; one submission).

Conditions:
Primary ciliary dyskinesia. Also called: Ciliary dyskinesia. Identifiers: Orphanet 244, MedGen C0008780, MONDO:0016575, HP:0012265.

Submission:

Labcorp Genetics (formerly Invitae), Labcorp
Classification: Pathogenic for Primary ciliary dyskinesia. Last evaluated: 2023-09-25. Review status: criteria provided, single submitter. Criteria: Invitae Variant Classification Sherloc (09022015). Collection method: clinical testing. Allele origin: unknown.
Comment: This variant is a gross deletion of the genomic region encompassing exon(s) 14-15 of the DNAH5 gene. This deletion is out-of-frame, and is expected to create a premature termination codon and result in an absent or disrupted protein product. Loss-of-function variants in DNAH5 are known to be pathogenic (PMID: 11788826, 16627867). This variant has not been reported in the literature in individuals affected with DNAH5-related conditions. For these reasons, this variant has been classified as Pathogenic.

Literature cited by the submitters: PubMed 11788826; PubMed 16627867.

NC_000005.9:g.(?_13900295)_(13901702_?)del

Gene: DNAH5 (dynein axonemal heavy chain 5; minus strand). Cytogenetic location: 5p15.2.
Variant type: Deletion.
Identifiers: ClinVar variation 3246254 (VCV003246254.1).